The following is an entry in ClinVar:

ClinVar aggregate classification (germline): Conflicting classifications of pathogenicity. Review status: criteria provided, conflicting classifications (1 of 4 stars). 2 submissions from 2 submitters: Pathogenic (1); Uncertain significance (1). Last evaluated 2025-05-30.

Conditions:
Cardiovascular phenotype. Identifiers: MedGen CN230736.
Dilated cardiomyopathy 1J (CMD1J). Also called: CARDIOMYOPATHY, DILATED, WITH SENSORINEURAL HEARING LOSS, AUTOSOMAL DOMINANT. Identifiers: Orphanet 217622, MedGen C1854368, MONDO:0011541, OMIM 605362.

Allele frequency attached by ClinVar (database versions not stated): gnomAD 0.00001; gnomAD exomes 0.00001; TOPMed 0.00001.
gnomAD v4.1: 19 of 1,613,848 alleles (0.0012%); highest among the groups gnomAD compares: Non-Finnish European, 0.0016%; no homozygotes.

Submissions (2):

Labcorp Genetics (formerly Invitae), Labcorp
Classification: Pathogenic for Dilated cardiomyopathy 1J. Last evaluated: 2025-05-30. Review status: criteria provided, single submitter. Criteria: Invitae Variant Classification Sherloc (09022015). Collection method: clinical testing. Allele origin: germline.
Comment: This sequence change replaces glycine, which is neutral and non-polar, with arginine, which is basic and polar, at codon 171 of the EYA4 protein (p.Gly171Arg). This variant is present in population databases (no rsID available, gnomAD 0.003%). This missense change has been observed in individual(s) with autosomal dominant non-syndromic deafness (PMID: 25961296). It has also been observed to segregate with disease in related individuals. ClinVar contains an entry for this variant (Variation ID: 2157989). An algorithm developed to predict the effect of missense changes on protein structure and function (PolyPhen-2) suggests that this variant is likely to be disruptive. For these reasons, this variant has been classified as Pathogenic.

Ambry Genetics
Classification: Uncertain significance for Cardiovascular phenotype. Last evaluated: 2023-06-26. Review status: criteria provided, single submitter. Criteria: Ambry Variant Classification Scheme 2023. Collection method: clinical testing. Allele origin: germline.
Comment: The p.G171R variant (also known as c.511G>C), located in coding exon 7 of the EYA4 gene, results from a G to C substitution at nucleotide position 511. The glycine at codon 171 is replaced by arginine, an amino acid with dissimilar properties. This alteration has been reported in a family with hearing loss and segregated with disease in that family (Liu F et al. PLoS One, 2015 May;10:e0126602). This amino acid position is well conserved in available vertebrate species. In addition, this alteration is predicted to be deleterious by in silico analysis. Since supporting evidence is limited at this time, the clinical significance of this alteration remains unclear.

Literature cited by the submitters: PubMed 25961296 (cited by Labcorp Genetics (formerly Invitae), Labcorp and Ambry Genetics).

NM_004100.5(EYA4):c.511G>C (p.Gly171Arg)

Gene: EYA4 (EYA transcriptional coactivator and phosphatase 4; plus strand). Cytogenetic location: 6q23.2.
Variant type: single nucleotide variant.
Coding change: c.511G>C on transcript NM_004100.5 (MANE Select); coding-DNA position 511, G replaced by C.
Protein change: p.Gly171Arg; replaces glycine 171 with arginine.
Molecular consequence: missense variant.
Genome position (GRCh38, 1-based): chr6:133,462,408, G>C. VCF-style: chr6-133462408-G-C. GRCh37 (hg19) VCF-style: chr6-133783546-G-C.
Other names: c.511G>C (NM_004100.4); c.349G>C, p.Gly117Arg (NM_001301012.2, NM_001370459.1); c.511G>C, p.Gly171Arg (NM_001301013.2, NM_172105.4); c.442G>C, p.Gly148Arg (NM_001370458.1, NM_172103.4); short protein forms G148R, G171R, G117R.
Identifiers: ClinVar variation 2157989 (VCV002157989.6), dbSNP rs1471362858, ClinGen allele CA365698020.
Genomic context (GRCh38, chr6:133,462,408, plus strand): 5'-ATTCTTTCTACACCAGCAGCTCAAACAATGTCTGCCTATGCAGGCCAGACTCAGTATTCG[G>C]GGATGCAGCAGCCAGCCGTCTACACAGCCTACTCACAGACAGGACAGCCCTACAGCTTGC-3'
Protein context (NP_004091.3, residues 161-181): SAYAGQTQYS[Gly171Arg]MQQPAVYTAY